The following is an entry in ClinVar:

NM_004281.4(BAG3):c.1655_1692del (p.Pro552fs)

Gene: BAG3 (BAG cochaperone 3; plus strand). Cytogenetic location: 10q26.11.
Variant type: Deletion.
Coding change: c.1655_1692del on transcript NM_004281.4 (MANE Select); coding-DNA positions 1655 to 1692, 38 bases deleted.
Protein change: p.Pro552fs; shifts the reading frame from proline 552.
Molecular consequence: frameshift variant.
Genome position (GRCh38, 1-based): chr10:119,677,209-119,677,246, 38 bases deleted; deleting any 38 consecutive bases within chr10:119,677,200-119,677,246 gives the same sequence; the c. name uses the placement nearest the transcript's 3' end. GRCh37 (hg19): chr10:121,436,721-121,436,758.
Other names: short protein forms P552fs.
Identifiers: ClinVar variation 2936780 (VCV002936780.3), dbSNP rs2494024820, ClinGen allele CA2611160297.
Genomic context (GRCh38, chr10:119,677,199, plus strand): 5'-GCCGTGGCAGCAGACAAGGGCAAGAAAAATGCTGGAAATGCAGAAGATCCCCACACAGAA[ACCCAGCAGCCAGAAGCCACAGCAGCAGCGACTTCAAAC>A]CCCAGCAGCATGACAGACACCCCTGGTAACCCAGCAGCACCGTAGCCTCTGCCCTGTAAA-3'

ClinVar aggregate classification (germline): Uncertain significance (1 of 4 stars; one submission).

Conditions:
Myofibrillar myopathy 6. Identifiers: Orphanet 199340, MedGen C2751831, MONDO:0013061, OMIM 612954.
Dilated cardiomyopathy 1HH (CMD1HH). Identifiers: Orphanet 154, MedGen C3151293, MONDO:0013479, OMIM 613881.

Submission:

Labcorp Genetics (formerly Invitae), Labcorp
Classification: Uncertain significance for Dilated cardiomyopathy 1HH; Myofibrillar myopathy 6. Last evaluated: 2023-08-20. Review status: criteria provided, single submitter. Criteria: Invitae Variant Classification Sherloc (09022015). Collection method: clinical testing. Allele origin: germline.
Comment: In summary, the available evidence is currently insufficient to determine the role of this variant in disease. Therefore, it has been classified as a Variant of Uncertain Significance. This variant disrupts a region of the BAG3 protein in which other variant(s) (p.Ala558Val) have been observed in individuals with BAG3-related conditions (PMID: 25728519). This suggests that this is a clinically significant region of the protein, and that variants that disrupt it are likely to be disease-causing. This variant has not been reported in the literature in individuals affected with BAG3-related conditions. This variant is not present in population databases (gnomAD no frequency). This sequence change creates a premature translational stop signal (p.Pro552Hisfs*7) in the BAG3 gene. While this is not anticipated to result in nonsense mediated decay, it is expected to disrupt the last 24 amino acid(s) of the BAG3 protein.

Literature cited by the submitters: PubMed 25728519.